The following is an entry in ClinVar:

ClinVar aggregate classification (germline): Uncertain significance (1 of 4 stars; one submission).

Allele frequency attached by ClinVar (database versions not stated): ExAC 0.00294; 1000 Genomes Project 30x 0.00297; 1000 Genomes Project 0.00359; gnomAD 0.00316.
gnomAD v4.1: 768 of 1,246,944 alleles (0.062%); highest among the groups gnomAD compares: African/African-American, 1.1%; 3 homozygotes.

Submission:

Labcorp Genetics (formerly Invitae), Labcorp
Classification: Uncertain significance. Last evaluated: 2025-10-27. Review status: criteria provided, single submitter. Criteria: Invitae Variant Classification Sherloc (09022015). Collection method: clinical testing. Allele origin: germline.
Comment: This sequence change replaces alanine, which is neutral and non-polar, with valine, which is neutral and non-polar, at codon 25 of the FBLN1 protein (p.Ala25Val). The frequency data for this variant in the population databases is considered unreliable, as metrics indicate poor data quality at this position in the gnomAD database. This variant has not been reported in the literature in individuals affected with FBLN1-related conditions. ClinVar contains an entry for this variant (Variation ID: 2853750). Experimental studies and prediction algorithms are not available or were not evaluated, and the functional significance of this variant is currently unknown. In summary, the available evidence is currently insufficient to determine the role of this variant in disease. Therefore, it has been classified as a Variant of Uncertain Significance.

NM_006486.3(FBLN1):c.74C>T (p.Ala25Val)

Gene: FBLN1 (fibulin 1; plus strand). Cytogenetic location: 22q13.31.
Variant type: single nucleotide variant.
Coding change: c.74C>T on transcript NM_006486.3 (MANE Select); coding-DNA position 74, C replaced by T.
Protein change: p.Ala25Val; replaces alanine 25 with valine.
Molecular consequence: missense variant.
Genome position (GRCh38, 1-based): chr22:45,503,059, C>T. VCF-style: chr22-45503059-C-T. GRCh37 (hg19) VCF-style: chr22-45898939-C-T.
Other names: c.74C>T, p.Ala25Val (NM_001996.4, NM_006485.4, NM_006487.3); short protein forms A25V.
Identifiers: ClinVar variation 2853750 (VCV002853750.2), dbSNP rs528661383, ClinGen allele CA10286392.